The following is an entry in ClinVar:

ClinVar aggregate classification (germline): Conflicting classifications of pathogenicity. Review status: criteria provided, conflicting classifications (1 of 4 stars). 2 submissions from 2 submitters: Likely pathogenic (1); Uncertain significance (1). Last evaluated 2025-05-30.

Conditions:
Neurodegeneration with brain iron accumulation 5 (NBIA5). Also called: STATIC ENCEPHALOPATHY OF CHILDHOOD WITH NEURODEGENERATION IN ADULTHOOD; Beta-propeller protein-associated neurodegeneration. Identifiers: Orphanet 329284, MedGen C3550973, MONDO:0010476, OMIM 300894.

Submissions (2):

Labcorp Genetics (formerly Invitae), Labcorp
Classification: Uncertain significance for Neurodegeneration with brain iron accumulation 5. Last evaluated: 2025-05-30. Review status: criteria provided, single submitter. Criteria: Invitae Variant Classification Sherloc (09022015). Collection method: clinical testing. Allele origin: germline.
Comment: This sequence change replaces glycine, which is neutral and non-polar, with aspartic acid, which is acidic and polar, at codon 215 of the WDR45 protein (p.Gly215Asp). This variant is not present in population databases (gnomAD no frequency). This variant has not been reported in the literature in individuals affected with WDR45-related conditions. ClinVar contains an entry for this variant (Variation ID: 2442363). Invitae Evidence Modeling of protein sequence and biophysical properties (such as structural, functional, and spatial information, amino acid conservation, physicochemical variation, residue mobility, and thermodynamic stability) indicates that this missense variant is expected to disrupt WDR45 protein function with a positive predictive value of 80%. In summary, the available evidence is currently insufficient to determine the role of this variant in disease. Therefore, it has been classified as a Variant of Uncertain Significance.

Laboratoire de Génétique Moléculaire, CHU Bordeaux
Classification: Likely pathogenic for Neurodegeneration with brain iron accumulation 5. Last evaluated: 2020-07-15. Review status: criteria provided, single submitter. Criteria: ACMG Guidelines, 2015. Collection method: clinical testing. Allele origin: germline. Affected: yes.

NM_001029896.2(WDR45):c.641G>A (p.Gly214Asp)

Gene: WDR45 (WD repeat domain 45; minus strand). Cytogenetic location: Xp11.23.
Variant type: single nucleotide variant.
Coding change: c.641G>A on transcript NM_001029896.2 (MANE Select); coding-DNA position 641, G replaced by A.
Protein change: p.Gly214Asp; replaces glycine 214 with aspartic acid.
Molecular consequence: missense variant.
Genome position (GRCh38, 1-based): chrX:49,075,629, C>T on the plus strand (G>A on the coding strand, the complement: WDR45 is on the minus strand). VCF-style: chrX-49075629-C-T. GRCh37 (hg19) VCF-style: chrX-48933288-C-T.
Other names: c.644G>A, p.Gly215Asp (NM_007075.4); short protein forms G214D, G215D.
Identifiers: ClinVar variation 2442363 (VCV002442363.2), dbSNP rs2520261481, ClinGen allele CA412943996.